The following is an entry in ClinVar:

NM_001201539.2(ARSF):c.363del (p.Ala122fs)

Gene: ARSF (arylsulfatase F; plus strand). Cytogenetic location: Xp22.33.
Variant type: Deletion.
Coding change: c.363del on transcript NM_001201539.2 (MANE Select); coding-DNA position 363, one base deleted (T; older notation c.363delT).
Protein change: p.Ala122fs; shifts the reading frame from alanine 122.
Molecular consequence: frameshift variant.
Genome position (GRCh38, 1-based): chrX:3,080,970, T deleted; the last of 2 consecutive T bases (chrX:3,080,969-3,080,970); deleting either gives the same sequence. VCF-style (leftmost placement, unchanged base first): chrX-3080968-CT-C. GRCh37 (hg19) VCF-style: chrX-2999009-CT-C.
Other names: c.363del, p.Ala122fs (NM_001201538.2, NM_004042.5); short protein forms A122fs.
Identifiers: ClinVar variation 2659868 (VCV002659868.24), dbSNP rs772377819, ClinGen allele CA10338858.

ClinVar aggregate classification (germline): Likely benign (1 of 4 stars; one submission).

Submission:

CeGaT Center for Human Genetics Tuebingen
Classification: Likely benign. Last evaluated: 2023-01-01. Review status: criteria provided, single submitter. Criteria: CeGaT Center For Human Genetics Tuebingen Variant Classification Criteria Version 2. Collection method: clinical testing. Allele origin: germline. Affected: yes. Observed: 1 variant allele.
Comment: ARSF: BS2